The following is an entry in ClinVar:

NM_006129.5(BMP1):c.275C>T (p.Thr92Ile)

Gene: BMP1 (bone morphogenetic protein 1; plus strand). Cytogenetic location: 8p21.3.
Variant type: single nucleotide variant.
Coding change: c.275C>T on transcript NM_006129.5 (MANE Select); coding-DNA position 275, C replaced by T.
Protein change: p.Thr92Ile; replaces threonine 92 with isoleucine.
Molecular consequence: missense variant. On other transcripts: non-coding transcript variant (2).
Genome position (GRCh38, 1-based): chr8:22,176,155, C>T. VCF-style: chr8-22176155-C-T. GRCh37 (hg19) VCF-style: chr8-22033668-C-T.
Other names: p.Thr92Ile; c.275C>T, p.Thr92Ile (NM_001199.4); c.275C>T (NM_006129.4); short protein forms T92I.
Identifiers: ClinVar variation 593776 (VCV000593776.8), dbSNP rs773257916, ClinGen allele CA4664222.

ClinVar aggregate classification (germline): Uncertain significance. Review status: criteria provided, multiple submitters, no conflicts (2 of 4 stars). 4 submissions from 4 submitters: Uncertain significance (4). Last evaluated 2024-10-22.

Conditions:
Inborn genetic diseases. Identifiers: MedGen C0950123, MeSH D030342.

Allele frequency attached by ClinVar (database versions not stated): gnomAD exomes below 0.00001; TOPMed below 0.00001; ExAC 0.00001.
gnomAD v4.1: 24 of 1,614,184 alleles (0.0015%); highest among the groups gnomAD compares: Middle Eastern, 0.26%; 1 homozygote.

Submissions (4):

Ambry Genetics
Classification: Uncertain significance for Inborn genetic diseases. Last evaluated: 2024-10-22. Review status: criteria provided, single submitter. Criteria: Ambry Variant Classification Scheme 2023. Collection method: clinical testing. Allele origin: germline.

Mayo Clinic Laboratories, Mayo Clinic
Classification: Uncertain significance. Last evaluated: 2024-07-15. Review status: criteria provided, single submitter. Criteria: ACMG Guidelines, 2015. Collection method: clinical testing. Allele origin: germline. Observed: 2 variant alleles.
Comment: BP4, PM2

Eurofins Ntd Llc (ga)
Classification: Uncertain significance. Last evaluated: 2017-09-07. Review status: criteria provided, single submitter. Criteria: EGL Classification Definitions 2015. Collection method: clinical testing. Allele origin: germline. Observed: 1 variant allele, 1 heterozygote.

Breakthrough Genomics
Classification: Uncertain significance. Review status: criteria provided, single submitter. Criteria: ACMG Guidelines, 2015. Collection method: not provided. Allele origin: germline. Inheritance: Autosomal recessive inheritance. Affected: yes.